The following is an entry in ClinVar:

NM_194454.3(KRIT1):c.589A>G (p.Thr197Ala)

Gene: KRIT1 (KRIT1 ankyrin repeat containing; minus strand). Cytogenetic location: 7q21.2.
Variant type: single nucleotide variant.
Coding change: c.589A>G on transcript NM_194454.3 (MANE Select); coding-DNA position 589, A replaced by G.
Protein change: p.Thr197Ala; replaces threonine 197 with alanine.
Molecular consequence: missense variant. On other transcripts: synonymous variant (1).
Genome position (GRCh38, 1-based): chr7:92,235,543, T>C on the plus strand (A>G on the coding strand, the complement: KRIT1 is on the minus strand). VCF-style: chr7-92235543-T-C. GRCh37 (hg19) VCF-style: chr7-91864857-T-C.
Other names: p.Thr197Ala; c.589A>G, p.Thr197Ala (NM_001013406.2, NM_001350669.1, NM_001350670.1 and 29 more transcripts); c.6A>G, p.Leu2= (NM_001350671.1); short protein forms T197A.
Identifiers: ClinVar variation 590746 (VCV000590746.16), dbSNP rs140396626, ClinGen allele CA4339340.

ClinVar aggregate classification (germline): Conflicting classifications of pathogenicity. Review status: criteria provided, conflicting classifications (1 of 4 stars). 6 submissions from 6 submitters: Uncertain significance (3); Likely benign (3). Last evaluated 2026-06-01.

Conditions:
Cerebral cavernous malformation (CCM). Also called: Cerebral cavernous malformations; CAVERNOUS ANGIOMA, FAMILIAL; CAVERNOUS ANGIOMATOUS MALFORMATIONS; Cavernous Hemangioma of Brain; CEREBRAL CAPILLARY MALFORMATIONS; Cerebral cavernous hemangioma (type). Identifiers: Orphanet 221061, MedGen C2919945, MONDO:0000820, OMIM 116860, HP:0033522.
Inborn genetic diseases. Identifiers: MedGen C0950123, MeSH D030342.

Allele frequency attached by ClinVar (database versions not stated): gnomAD exomes 0.00004 and 0.00010; ExAC 0.00005; TOPMed 0.00005; gnomAD 0.00006; ESP Exome Variant Server 0.00015.
gnomAD v4.1: 147 of 1,613,752 alleles (0.0091%); highest among the groups gnomAD compares: Non-Finnish European, 0.012%; no homozygotes.

Submissions (6):

CeGaT Center for Human Genetics Tuebingen
Classification: Likely benign. Last evaluated: 2026-06-01. Review status: criteria provided, single submitter. Criteria: CeGaT Center For Human Genetics Tuebingen Variant Classification Criteria Version 2. Collection method: clinical testing. Allele origin: germline. Affected: yes. Observed: 1 variant allele.
Comment: KRIT1: BP4

Labcorp Genetics (formerly Invitae), Labcorp
Classification: Uncertain significance for Cerebral cavernous malformation. Last evaluated: 2025-11-25. Review status: criteria provided, single submitter. Criteria: Invitae Variant Classification Sherloc (09022015). Collection method: clinical testing. Allele origin: germline.
Comment: This sequence change replaces threonine, which is neutral and polar, with alanine, which is neutral and non-polar, at codon 197 of the KRIT1 protein (p.Thr197Ala). This variant is present in population databases (rs140396626, gnomAD 0.009%). This variant has not been reported in the literature in individuals affected with KRIT1-related conditions. ClinVar contains an entry for this variant (Variation ID: 590746). Invitae Evidence Modeling of protein sequence and biophysical properties (such as structural, functional, and spatial information, amino acid conservation, physicochemical variation, residue mobility, and thermodynamic stability) indicates that this missense variant is not expected to disrupt KRIT1 protein function with a negative predictive value of 80%. In summary, the available evidence is currently insufficient to determine the role of this variant in disease. Therefore, it has been classified as a Variant of Uncertain Significance.

Ambry Genetics
Classification: Likely benign for Inborn genetic diseases. Last evaluated: 2025-06-09. Review status: criteria provided, single submitter. Criteria: Ambry Variant Classification Scheme 2023. Collection method: clinical testing. Allele origin: germline.

Mayo Clinic Laboratories, Mayo Clinic
Classification: Likely benign. Last evaluated: 2025-01-13. Review status: criteria provided, single submitter. Criteria: ACMG Guidelines, 2015. Collection method: clinical testing. Allele origin: germline. Observed: 1 variant allele.
Comment: BS2, BP4_moderate

Department of Pathology and Laboratory Medicine, Sinai Health System
Classification: Uncertain significance for Cerebral cavernous malformation. Last evaluated: 2022-02-25. Review status: criteria provided, single submitter. Criteria: ACMG Guidelines, 2015. Collection method: research. Allele origin: germline.

PreventionGenetics, part of Exact Sciences
Classification: Uncertain significance. Last evaluated: 2018-05-16. Review status: criteria provided, single submitter. Criteria: ACMG Guidelines, 2015. Collection method: clinical testing. Allele origin: germline.